The following is an entry in ClinVar:

ClinVar aggregate classification (germline): Uncertain significance (1 of 4 stars; one submission).

Allele frequency attached by ClinVar (database versions not stated): gnomAD exomes below 0.00001.
gnomAD v4.1: 1 of 1,613,976 alleles (0.000062%); highest among the groups gnomAD compares: Middle Eastern, 0.017%; no homozygotes.

Submission:

Labcorp Genetics (formerly Invitae), Labcorp
Classification: Uncertain significance. Last evaluated: 2022-05-15. Review status: criteria provided, single submitter. Criteria: Invitae Variant Classification Sherloc (09022015). Collection method: clinical testing. Allele origin: germline.
Comment: This sequence change replaces threonine, which is neutral and polar, with alanine, which is neutral and non-polar, at codon 2139 of the CAD protein (p.Thr2139Ala). This variant is not present in population databases (gnomAD no frequency). This variant has not been reported in the literature in individuals affected with CAD-related conditions. Algorithms developed to predict the effect of missense changes on protein structure and function are either unavailable or do not agree on the potential impact of this missense change (SIFT: "Deleterious"; PolyPhen-2: "Possibly Damaging"; Align-GVGD: "Class C0"). In summary, the available evidence is currently insufficient to determine the role of this variant in disease. Therefore, it has been classified as a Variant of Uncertain Significance.

NM_004341.5(CAD):c.6415A>G (p.Thr2139Ala)

Genes: CAD (carbamoyl-phosphate synthetase 2, aspartate transcarbamylase, and dihydroorotase; plus strand), LOC126806172 (CDK7 strongly-dependent group 2 enhancer GRCh37_chr2:27465505-27466704; plus strand). Cytogenetic location: 2p23.3.
Variant type: single nucleotide variant.
Coding change: c.6415A>G on transcript NM_004341.5 (MANE Select); coding-DNA position 6415, A replaced by G.
Protein change: p.Thr2139Ala; replaces threonine 2139 with alanine.
Molecular consequence: missense variant.
Genome position (GRCh38, 1-based): chr2:27,242,908, A>G. VCF-style: chr2-27242908-A-G. GRCh37 (hg19) VCF-style: chr2-27465776-A-G.
Other names: c.6226A>G, p.Thr2076Ala (NM_001306079.2); short protein forms T2139A, T2076A.
Identifiers: ClinVar variation 1969549 (VCV001969549.2), dbSNP rs1676391149, ClinGen allele CA346224999.
Genomic context (GRCh38, chr2:27,242,908, plus strand): 5'-ACCATGGCTCTCCTCACCCTCCAGGAGGAATTCGAGAGCATTGAGGAGGCGCTGCCTGAC[A>G]CTGATGTGCTCTACATGACTCGAATCCAGAAGGAACGATTTGGCTCTACCCAGGAGTACG-3'
Protein context (NP_004332.2, residues 2129-2149): FESIEEALPD[Thr2139Ala]DVLYMTRIQK